The following is an entry in ClinVar:

ClinVar aggregate classification (germline): Likely benign (1 of 4 stars; one submission).

Allele frequency attached by ClinVar (database versions not stated): ExAC 0.00008; gnomAD 0.00011; gnomAD exomes 0.00013; TOPMed 0.00014; ESP Exome Variant Server 0.00015; 1000 Genomes Project 30x 0.00016.
gnomAD v4.1: 209 of 1,606,908 alleles (0.013%); highest among the groups gnomAD compares: Middle Eastern, 0.017%; no homozygotes.

Submission:

CeGaT Center for Human Genetics Tuebingen
Classification: Likely benign. Last evaluated: 2022-06-01. Review status: criteria provided, single submitter. Criteria: CeGaT Center For Human Genetics Tuebingen Variant Classification Criteria Version 2. Collection method: clinical testing. Allele origin: germline. Affected: yes. Observed: 1 variant allele.
Comment: TDRD6: BP4, BP7

NM_001010870.3(TDRD6):c.642A>G (p.Thr214=)

Gene: TDRD6 (tudor domain containing 6; plus strand). Cytogenetic location: 6p12.3.
Variant type: single nucleotide variant.
Coding change: c.642A>G on transcript NM_001010870.3 (MANE Select); coding-DNA position 642, A replaced by G.
Protein change: p.Thr214=; no amino-acid change (threonine 214 retained).
Molecular consequence: synonymous variant.
Genome position (GRCh38, 1-based): chr6:46,688,770, A>G. VCF-style: chr6-46688770-A-G. GRCh37 (hg19) VCF-style: chr6-46656507-A-G.
Other names: c.642A>G, p.Thr214= (NM_001168359.2).
Identifiers: ClinVar variation 2656622 (VCV002656622.24), dbSNP rs368937717, ClinGen allele CA3838740.